The following is an entry in ClinVar:

NM_015610.4(WIPI2):c.1332C>T (p.Ser444=)

Gene: WIPI2 (WD repeat domain, phosphoinositide interacting 2; plus strand). Cytogenetic location: 7p22.1.
Variant type: single nucleotide variant.
Coding change: c.1332C>T on transcript NM_015610.4 (MANE Select); coding-DNA position 1332, C replaced by T.
Protein change: p.Ser444=; no amino-acid change (serine 444 retained).
Molecular consequence: synonymous variant.
Genome position (GRCh38, 1-based): chr7:5,230,914, C>T. VCF-style: chr7-5230914-C-T. GRCh37 (hg19) VCF-style: chr7-5270545-C-T.
Other names: c.1299C>T, p.Ser433= (NM_001033518.2); c.1245C>T, p.Ser415= (NM_001033519.2); c.1122C>T, p.Ser374= (NM_001033520.1); c.900C>T, p.Ser300= (NM_001278299.2); c.1278C>T, p.Ser426= (NM_016003.4).
Identifiers: ClinVar variation 4533681 (VCV004533681.6).

ClinVar aggregate classification (germline): Likely benign (1 of 4 stars; one submission).

gnomAD v4.1: 23 of 1,613,580 alleles (0.0014%); highest among the groups gnomAD compares: Middle Eastern, 0.049%; no homozygotes.

Submission:

CeGaT Center for Human Genetics Tuebingen
Classification: Likely benign. Last evaluated: 2025-11-01. Review status: criteria provided, single submitter. Criteria: CeGaT Center For Human Genetics Tuebingen Variant Classification Criteria Version 2. Collection method: clinical testing. Allele origin: germline. Affected: yes. Observed: 1 variant allele.
Comment: WIPI2: BP4, BP7